The following is an entry in ClinVar:

NM_004006.3(DMD):c.4612C>T (p.Pro1538Ser)

Gene: DMD (dystrophin; minus strand). Cytogenetic location: Xp21.1.
Variant type: single nucleotide variant.
Coding change: c.4612C>T on transcript NM_004006.3 (MANE Select); coding-DNA position 4612, C replaced by T.
Protein change: p.Pro1538Ser; replaces proline 1538 with serine.
Molecular consequence: missense variant.
Genome position (GRCh38, 1-based): chrX:32,386,372, G>A on the plus strand (C>T on the coding strand, the complement: DMD is on the minus strand). VCF-style: chrX-32386372-G-A. GRCh37 (hg19) VCF-style: chrX-32404489-G-A.
Other names: c.4588C>T, p.Pro1530Ser (NM_000109.4); c.4600C>T, p.Pro1534Ser (NM_004009.3); c.4243C>T, p.Pro1415Ser (NM_004010.3); c.589C>T, p.Pro197Ser (NM_004011.4); c.580C>T, p.Pro194Ser (NM_004012.4); short protein forms P1415S, P1530S, P1534S, P1538S, P194S, P197S.
Identifiers: ClinVar variation 3610077 (VCV003610077.2).
Genomic context (GRCh38, chrX:32,386,372, plus strand): 5'-TTGCTCCCAGCTCATTATAATGCAATTTCAAAGCTGTTACTCTTTCATCAAGTTCTTTGG[G>A]ATTTTCCGTCTGCTTTTTCTGTACAATCTGACGTCCAGTCTTTATCACCATTTCCACTTC-3'
Protein context (NP_003997.2, residues 1528-1548): QIVQKKQTEN[Pro1538Ser]KELDERVTAL

ClinVar aggregate classification (germline): Uncertain significance (1 of 4 stars; one submission).

Conditions:
Duchenne muscular dystrophy (DMD). Also called: MUSCULAR DYSTROPHY, PSEUDOHYPERTROPHIC PROGRESSIVE, DUCHENNE TYPE; Duchenne Muscular Dystrophy (DMD). Identifiers: Orphanet 98896, MedGen C0013264, MONDO:0010679, OMIM 310200.

gnomAD v4.1: 5 of 1,207,066 alleles (0.00041%); highest among the groups gnomAD compares: East Asian, 0.003%; no homozygotes.

Submission:

Labcorp Genetics (formerly Invitae), Labcorp
Classification: Uncertain significance for Duchenne muscular dystrophy. Last evaluated: 2025-12-13. Review status: criteria provided, single submitter. Criteria: Invitae Variant Classification Sherloc (09022015). Collection method: clinical testing. Allele origin: germline.
Comment: This sequence change replaces proline, which is neutral and non-polar, with serine, which is neutral and polar, at codon 1538 of the DMD protein (p.Pro1538Ser). The frequency data for this variant in the population databases is considered unreliable, as metrics indicate poor data quality at this position in the gnomAD database. This variant has not been reported in the literature in individuals affected with DMD-related conditions. ClinVar contains an entry for this variant (Variation ID: 3610077). Invitae Evidence Modeling of protein sequence and biophysical properties (such as structural, functional, and spatial information, amino acid conservation, physicochemical variation, residue mobility, and thermodynamic stability) indicates that this missense variant is not expected to disrupt DMD protein function with a negative predictive value of 95%. In summary, the available evidence is currently insufficient to determine the role of this variant in disease. Therefore, it has been classified as a Variant of Uncertain Significance.